The following is an entry in ClinVar:

ClinVar aggregate classification (germline): Benign/Likely benign. Review status: criteria provided, multiple submitters, no conflicts (2 of 4 stars). 13 submissions from 13 submitters: Benign (3); Likely benign (8). 2 of the submissions do not count toward it. Last evaluated 2026-01-11.

Conditions:
APC-related disorder. Also called: APC-related condition.
Hereditary cancer-predisposing syndrome. Also called: Tumor predisposition; Hereditary neoplastic syndrome; Neoplastic Syndromes, Hereditary; Hereditary Cancer Syndrome. Identifiers: Orphanet 140162, MedGen C0027672, MeSH D009386, MONDO:0015356.
Familial adenomatous polyposis 1 (FAP1). Also called: FAMILIAL ADENOMATOUS POLYPOSIS 1, ATTENUATED; POLYPOSIS, ADENOMATOUS INTESTINAL. Identifiers: MedGen C2713442, MONDO:0021056, OMIM 175100. Disease mechanism: loss of function.
Desmoid disease, hereditary (DESMD). Also called: FIBROMATOSIS, FAMILIAL INFILTRATIVE. Identifiers: Orphanet 873, MedGen C1851124, OMIM 135290. Disease mechanism: loss of function.

Allele frequency attached by ClinVar (database versions not stated): gnomAD 0.00001 and 0.00007; TOPMed 0.00003; 1000 Genomes Project 30x 0.00016; ExAC 0.00018; gnomAD exomes 0.00018; 1000 Genomes Project 0.00020.
gnomAD v4.1: 110 of 1,614,126 alleles (0.0068%); highest among the groups gnomAD compares: South Asian, 0.11%; 1 homozygote.

Submissions (13):

Labcorp Genetics (formerly Invitae), Labcorp
Classification: Benign for Familial adenomatous polyposis 1. Last evaluated: 2026-01-11. Review status: criteria provided, single submitter. Criteria: Invitae Variant Classification Sherloc (09022015). Collection method: clinical testing. Allele origin: germline.

PreventionGenetics, part of Exact Sciences
Classification: Likely benign for APC-related condition. Last evaluated: 2025-12-11. Review status: criteria provided, single submitter. Criteria: ACMG Guidelines, 2015. Collection method: clinical testing. Allele origin: germline.
Comment: This variant is classified as likely benign based on ACMG/AMP sequence variant interpretation guidelines (Richards et al. 2015 PMID: 25741868, with internal and published modifications).

Department of Pathology and Laboratory Medicine, Sinai Health System
Classification: Likely benign for Desmoid disease, hereditary. Last evaluated: 2024-06-25. Review status: criteria provided, single submitter. Criteria: ACMG Guidelines, 2015. Collection method: clinical testing. Allele origin: germline. Affected: yes.

Women's Health and Genetics/Laboratory Corporation of America, LabCorp
Classification: Likely benign. Last evaluated: 2023-02-26. Review status: criteria provided, single submitter. Criteria: LabCorp Variant Classification Summary - May 2015. Collection method: clinical testing. Allele origin: germline.

Myriad Genetics, Inc.
Classification: Likely benign for Familial adenomatous polyposis 1. Last evaluated: 2023-02-21. Review status: criteria provided, single submitter. Criteria: Myriad Autosomal Dominant, Autosomal Recessive and X-Linked Classification Criteria (2023). Collection method: clinical testing. Allele origin: unknown.
Comment: This variant is considered likely benign. This variant has been observed at a population frequency that is significantly greater than expected given the associated disease prevalence and penetrance.

CeGaT Center for Human Genetics Tuebingen
Classification: Likely benign. Last evaluated: 2022-12-01. Review status: criteria provided, single submitter. Criteria: CeGaT Center For Human Genetics Tuebingen Variant Classification Criteria Version 2. Collection method: clinical testing. Allele origin: germline. Affected: yes. Observed: 1 variant allele.
Comment: APC: BS1

Ambry Genetics
Classification: Benign for Hereditary cancer-predisposing syndrome. Last evaluated: 2022-09-16. Review status: criteria provided, single submitter. Criteria: Ambry Variant Classification Scheme 2023. Collection method: clinical testing. Allele origin: germline.

Quest Diagnostics Nichols Institute San Juan Capistrano
Classification: Benign. Last evaluated: 2020-10-28. Review status: criteria provided, single submitter. Criteria: Quest Diagnostics criteria. Collection method: clinical testing. Allele origin: unknown.

Sema4
Classification: Likely benign for Hereditary cancer-predisposing syndrome. Last evaluated: 2020-05-05. Review status: criteria provided, single submitter. Criteria: Sema4 Curation Guidelines. Collection method: curation. Allele origin: germline.

GeneDx
Classification: Likely benign. Last evaluated: 2018-06-25. Review status: criteria provided, single submitter. Criteria: GeneDx Variant Classification Process June 2021. Collection method: clinical testing. Allele origin: germline. Affected: yes.
Comment: This variant is associated with the following publications: (PMID: 24599579, 24728327, 27978560, 25980754, 25186627, 29684080)

Color Diagnostics, LLC DBA Color Health
Classification: Likely benign for Hereditary cancer-predisposing syndrome. Last evaluated: 2016-06-15. Review status: criteria provided, single submitter. Criteria: ACMG Guidelines, 2015. Collection method: clinical testing. Allele origin: germline.

Counsyl
Classification: Uncertain significance for Familial adenomatous polyposis 1. Last evaluated: 2015-12-04. Review status: no assertion criteria provided. Collection method: clinical testing. Allele origin: unknown. Not counted in ClinVar's aggregate classification.

ITMI
No classification provided. Condition: AllHighlyPenetrant. Last evaluated: 2013-09-19. Review status: no classification provided. Collection method: reference population. Allele origin: germline. Not counted in ClinVar's aggregate classification.
Comment: Please see associated publication for description of ethnicities

Literature cited by the submitters: PubMed 27978560 (cited by 3 submitters); PubMed 25980754 (cited by 4 submitters); PubMed 25186627 (cited by 4 submitters); PubMed 24728327 (cited by 4 submitters); PubMed 7833931 (cited by Ambry Genetics).

NM_000038.6(APC):c.4919G>A (p.Arg1640Gln)

Gene: APC (APC regulator of Wnt signaling pathway; plus strand). Cytogenetic location: 5q22.2.
Variant type: single nucleotide variant.
Coding change: c.4919G>A on transcript NM_000038.6 (MANE Select); coding-DNA position 4919, G replaced by A.
Protein change: p.Arg1640Gln; replaces arginine 1640 with glutamine.
Molecular consequence: missense variant.
Genome position (GRCh38, 1-based): chr5:112,840,513, G>A. VCF-style: chr5-112840513-G-A. GRCh37 (hg19) VCF-style: chr5-112176210-G-A.
Other names: c.4919G>A, p.Arg1640Gln (NM_001127510.3, NM_001354895.2); c.4865G>A, p.Arg1622Gln (NM_001127511.3); c.4973G>A, p.Arg1658Gln (NM_001354896.2); c.4949G>A, p.Arg1650Gln (NM_001354897.2); c.4844G>A, p.Arg1615Gln (NM_001354898.2); c.4835G>A, p.Arg1612Gln (NM_001354899.2); c.4796G>A, p.Arg1599Gln (NM_001354900.2); c.4742G>A, p.Arg1581Gln (NM_001354901.2); and 5 more; short protein forms R1622Q, R1640Q, R1357Q, R1480Q, R1549Q, R1612Q, R1581Q, R1599Q.
Identifiers: ClinVar variation 133531 (VCV000133531.51), dbSNP rs529480958, ClinGen allele CA009812.